The following is an entry in ClinVar:

ClinVar aggregate classification (germline): Uncertain significance (1 of 4 stars; one submission).

Submission:

Labcorp Genetics (formerly Invitae), Labcorp
Classification: Uncertain significance. Last evaluated: 2024-08-14. Review status: criteria provided, single submitter. Criteria: Invitae Variant Classification Sherloc (09022015). Collection method: clinical testing. Allele origin: germline.
Comment: This sequence change replaces glycine, which is neutral and non-polar, with aspartic acid, which is acidic and polar, at codon 260 of the PCLO protein (p.Gly260Asp). This variant is not present in population databases (gnomAD no frequency). This variant has not been reported in the literature in individuals affected with PCLO-related conditions. Experimental studies and prediction algorithms are not available or were not evaluated, and the functional significance of this variant is currently unknown. In summary, the available evidence is currently insufficient to determine the role of this variant in disease. Therefore, it has been classified as a Variant of Uncertain Significance.

NM_033026.6(PCLO):c.779G>A (p.Gly260Asp)

Gene: PCLO (piccolo presynaptic cytomatrix protein; minus strand). Cytogenetic location: 7q21.11.
Variant type: single nucleotide variant.
Coding change: c.779G>A on transcript NM_033026.6 (MANE Select); coding-DNA position 779, G replaced by A.
Protein change: p.Gly260Asp; replaces glycine 260 with aspartic acid.
Molecular consequence: missense variant.
Genome position (GRCh38, 1-based): chr7:83,155,862, C>T on the plus strand (G>A on the coding strand, the complement: PCLO is on the minus strand). VCF-style: chr7-83155862-C-T. GRCh37 (hg19) VCF-style: chr7-82785178-C-T.
Other names: c.779G>A, p.Gly260Asp (NM_014510.3); short protein forms G260D.
Identifiers: ClinVar variation 3708310 (VCV003708310.2).